The following is an entry in ClinVar:

ClinVar aggregate classification (germline): Pathogenic (1 of 4 stars; one submission).

Conditions:
Werner syndrome (WRN). Identifiers: Orphanet 902, MedGen C0043119, MONDO:0010196, OMIM 277700.

Submission:

Labcorp Genetics (formerly Invitae), Labcorp
Classification: Pathogenic for Werner syndrome. Last evaluated: 2023-07-17. Review status: criteria provided, single submitter. Criteria: Invitae Variant Classification Sherloc (09022015). Collection method: clinical testing. Allele origin: germline.
Comment: For these reasons, this variant has been classified as Pathogenic. This variant has not been reported in the literature in individuals affected with WRN-related conditions. This variant is not present in population databases (gnomAD no frequency). This sequence change creates a premature translational stop signal (p.Ser302Valfs*3) in the WRN gene. It is expected to result in an absent or disrupted protein product. Loss-of-function variants in WRN are known to be pathogenic (PMID: 16673358).

Literature cited by the submitters: PubMed 16673358.

NM_000553.6(WRN):c.903dup (p.Ser302fs)

Gene: WRN (WRN RecQ like helicase; plus strand). Cytogenetic location: 8p12.
Variant type: Duplication.
Coding change: c.903dup on transcript NM_000553.6 (MANE Select); coding-DNA position 903, one base duplicated (G; older notation c.903dupG).
Protein change: p.Ser302fs; shifts the reading frame from serine 302.
Molecular consequence: frameshift variant.
Genome position (GRCh38, 1-based): chr8:31,080,930, G duplicated; the last of 3 consecutive G bases (chr8:31,080,928-31,080,930); duplicating any one gives the same sequence. VCF-style (leftmost placement, unchanged base first): chr8-31080927-T-TG. GRCh37 (hg19) VCF-style: chr8-30938443-T-TG.
Other names: short protein forms S302fs.
Identifiers: ClinVar variation 2744513 (VCV002744513.3), dbSNP rs2535909752, ClinGen allele CA2697549827.